The following is an entry in ClinVar:

ClinVar aggregate classification (germline): Pathogenic/Likely pathogenic. Review status: criteria provided, multiple submitters, no conflicts (2 of 4 stars). 2 submissions from 2 submitters: Pathogenic (1); Likely pathogenic (1). Last evaluated 2023-05-13.

Conditions:
Hereditary breast ovarian cancer syndrome. Also called: Hereditary breast and ovarian cancer syndrome (HBOC); Breast and ovarian cancer; Hereditary breast and ovarian cancer; Hereditary breast and ovarian cancer syndrome; BRCA1- and BRCA2-Associated Hereditary Breast and Ovarian Cancer; Hereditary breast and/or ovarian cancer syndrome. Identifiers: Orphanet 145, MedGen C0677776, MeSH D061325, MONDO:0003582. Disease mechanism: loss of function.

Submissions (2):

Labcorp Genetics (formerly Invitae), Labcorp
Classification: Pathogenic for Hereditary breast ovarian cancer syndrome. Last evaluated: 2023-05-13. Review status: criteria provided, single submitter. Criteria: Invitae Variant Classification Sherloc (09022015). Collection method: clinical testing. Allele origin: germline.
Comment: For these reasons, this variant has been classified as Pathogenic. This variant has not been reported in the literature in individuals affected with BRCA1-related conditions. This variant is not present in population databases (gnomAD no frequency). This sequence change creates a premature translational stop signal (p.Asn969Trpfs*20) in the BRCA1 gene. It is expected to result in an absent or disrupted protein product. Loss-of-function variants in BRCA1 are known to be pathogenic (PMID: 20104584).

Revvity Omics, Revvity
Classification: Likely pathogenic. Last evaluated: 2023-03-03. Review status: criteria provided, single submitter. Criteria: ACMG Guidelines, 2015. Collection method: clinical testing. Allele origin: germline.

Literature cited by the submitters: PubMed 20104584 (cited by Labcorp Genetics (formerly Invitae), Labcorp).

NM_007294.4(BRCA1):c.2905_2912del (p.Asn969fs)

Gene: BRCA1 (BRCA1 DNA repair associated; minus strand). Cytogenetic location: 17q21.31.
Variant type: Deletion.
Coding change: c.2905_2912del on transcript NM_007294.4 (MANE Select); coding-DNA positions 2905 to 2912, 8 bases deleted (AATAAACA; older notation c.2905_2912delAATAAACA).
Protein change: p.Asn969fs; shifts the reading frame from asparagine 969.
Molecular consequence: frameshift variant. On other transcripts: intron variant (137).
Genome position (GRCh38, 1-based): chr17:43,092,619-43,092,626, TGTTTATT deleted on the plus strand (AATAAACA on the coding strand, the reverse complement: BRCA1 is on the minus strand); deleting any 8 consecutive bases within chr17:43,092,619-43,092,628 gives the same sequence; the c. name uses the placement nearest the transcript's 3' end. VCF-style (leftmost placement, unchanged base first): chr17-43092618-ATGTTTATT-A. GRCh37 (hg19) VCF-style: chr17-41244635-ATGTTTATT-A.
Other names: c.2902_2909del, p.Asn968fs (NM_001407627.1, NM_001407628.1, NM_001407629.1 and 22 more transcripts); c.2905_2912del, p.Asn969fs (NM_001407639.1, NM_001407640.1, NM_001407641.1 and 30 more transcripts); c.2896_2903del, p.Asn966fs (NM_001407646.1, NM_001407647.1); c.2782_2789del, p.Asn928fs (NM_001407648.1, NM_001407664.1, NM_001407665.1 and 19 more transcripts); c.2779_2786del, p.Asn927fs (NM_001407649.1, NM_001407670.1, NM_001407671.1 and 11 more transcripts); c.2827_2834del, p.Asn943fs (NM_001407653.1, NM_001407654.1, NM_001407655.1 and 4 more transcripts); c.2824_2831del, p.Asn942fs (NM_001407659.1, NM_001407660.1, NM_001407661.1 and 1 more transcripts); c.2764_2771del, p.Asn922fs (NM_001407692.1, NM_001407694.1, NM_001407695.1 and 29 more transcripts); and 42 more; short protein forms N673fs, N801fs, N841fs, N842fs, N857fs, N858fs, N880fs, N881fs.
Identifiers: ClinVar variation 2690553 (VCV002690553.5), dbSNP rs2552181197, ClinGen allele CA2697559884.